The following is an entry in ClinVar:

ClinVar aggregate classification (germline): Likely benign (1 of 4 stars; one submission).

Submission:

CeGaT Center for Human Genetics Tuebingen
Classification: Likely benign. Last evaluated: 2026-08-01. Review status: criteria provided, single submitter. Criteria: CeGaT Center For Human Genetics Tuebingen Variant Classification Criteria Version 2. Collection method: clinical testing. Allele origin: germline. Affected: yes. Observed: 1 variant allele.
Comment: ARMCX4: BS2

NM_001256155.3(ARMCX4):c.5503GCTGGG[2] (p.1835AG[2])

Gene: ARMCX4 (armadillo repeat containing X-linked 4; plus strand). Cytogenetic location: Xq22.1.
Variant type: Microsatellite.
Coding change: c.5503GCTGGG[2] on transcript NM_001256155.3 (MANE Select); two copies in a row of the 6-base unit GCTGGG starting at c.5503; the reference has four copies in a row; two copies, 12 bases deleted.
Protein change: p.1835AG[2].
Genome position (GRCh38, 1-based): chrX:101,494,104-101,494,115, GCTGGGGCTGGG deleted; deleting any 12 consecutive bases within chrX:101,494,091-101,494,115 gives the same sequence; the position shown is the placement nearest the transcript's 3' end. VCF-style (leftmost placement, unchanged base first): chrX-101494090-AGGCTGGGGCTGG-A. GRCh37 (hg19) VCF-style: chrX-100749077-AGGCTGGGGCTGG-A.
Identifiers: ClinVar variation 5038782 (VCV005038782.1).
Genomic context (GRCh38, chrX:101,494,090, plus strand): 5'-GGGCTGAGGCTGGGGCTGGGGCTGAGGCTGGGGCTGGGGCTGGGGCTGAGGCTGGGGCTG[AGGCTGGGGCTGG>A]GGCTGGGGCTGGGCCTGGGACTGAGTCTGGGGCTGGGATTTGGTCCTGGGATGGAGATGC-3'